The following is an entry in ClinVar:

NM_005566.4(LDHA):c.*243C>G

Gene: LDHA (lactate dehydrogenase A; plus strand). Cytogenetic location: 11p15.1.
Variant type: single nucleotide variant.
Coding change: c.*243C>G on transcript NM_005566.4 (MANE Select); 243 bases downstream of the stop codon, C replaced by G.
Molecular consequence: 3 prime UTR variant. On other transcripts: non-coding transcript variant (1).
Genome position (GRCh38, 1-based): chr11:18,407,524, C>G. VCF-style: chr11-18407524-C-G. GRCh37 (hg19) VCF-style: chr11-18429071-C-G.
Other names: c.*243C>G (NM_001135239.2, NM_001165414.2); c.*148C>G (NM_001165415.2); c.*392C>G (NM_001165416.2).
Identifiers: ClinVar variation 303919 (VCV000303919.7), dbSNP rs76818137, ClinGen allele CA5911477.

ClinVar aggregate classification (germline): Benign/Likely benign. Review status: criteria provided, multiple submitters, no conflicts (2 of 4 stars). 2 submissions from 2 submitters: Benign (1); Likely benign (1). Last evaluated 2018-11-05.

Conditions:
Glycogen storage disease due to lactate dehydrogenase M-subunit deficiency (GSD11). Also called: GSD XI; LACTATE DEHYDROGENASE A DEFICIENCY; Glycogen storage disease XI. Identifiers: Orphanet 284426, MedGen C2931743, MONDO:0013047, OMIM 612933.

Allele frequency attached by ClinVar (database versions not stated): TOPMed 0.00386; 1000 Genomes Project 30x 0.00562; gnomAD 0.00121 and 0.00175; ExAC 0.00157; gnomAD exomes 0.00401; 1000 Genomes Project 0.00639.
gnomAD v4.1: 2,025 of 797,524 alleles (0.25%); highest among the groups gnomAD compares: East Asian, 4.6%; 46 homozygotes.

Submissions (2):

GeneDx
Classification: Likely benign. Last evaluated: 2018-11-05. Review status: criteria provided, single submitter. Criteria: GeneDx Variant Classification Process June 2021. Collection method: clinical testing. Allele origin: germline. Affected: yes.

Illumina Laboratory Services, Illumina
Classification: Benign for Glycogen storage disease due to lactate dehydrogenase M-subunit deficiency. Last evaluated: 2018-01-12. Review status: criteria provided, single submitter. Criteria: ICSL Variant Classification Criteria 13 December 2019. Collection method: clinical testing. Allele origin: germline.
Comment: This variant was observed in the ICSL laboratory as part of a predisposition screen in an ostensibly healthy population. It had not been previously curated by ICSL or reported in the Human Gene Mutation Database (HGMD: prior to June 1st, 2018), and was therefore a candidate for classification through an automated scoring system. Utilizing variant allele frequency, disease prevalence and penetrance estimates, and inheritance mode, an automated score was calculated to assess if this variant is too frequent to cause the disease. Based on the score and internal cut-off values, a variant classified as benign is not then subjected to further curation. The score for this variant resulted in a classification of benign for this disease.